The following is an entry in ClinVar:

NM_004991.4(MECOM):c.2180C>T (p.Pro727Leu)

Gene: MECOM (MDS1 and EVI1 complex locus; minus strand). Cytogenetic location: 3q26.2.
Variant type: single nucleotide variant.
Coding change: c.2180C>T on transcript NM_004991.4 (MANE Select); coding-DNA position 2180, C replaced by T.
Protein change: p.Pro727Leu; replaces proline 727 with leucine.
Molecular consequence: missense variant.
Genome position (GRCh38, 1-based): chr3:169,115,692, G>A on the plus strand (C>T on the coding strand, the complement: MECOM is on the minus strand). VCF-style: chr3-169115692-G-A. GRCh37 (hg19) VCF-style: chr3-168833480-G-A.
Other names: c.2180C>T (NM_004991.3); c.1811C>T, p.Pro604Leu (NM_001105077.4); c.1616C>T, p.Pro539Leu (NM_001105078.4, NM_001164000.2, NM_001205194.2 and 4 more transcripts); c.1619C>T, p.Pro540Leu (NM_001163999.2, NM_001366467.2, NM_001366468.2 and 1 more transcripts); c.2180C>T, p.Pro727Leu (NM_001366466.2); c.1208C>T, p.Pro403Leu (NM_001366473.2); c.644C>T, p.Pro215Leu (NM_001366474.2); short protein forms P215L, P604L, P403L, P539L, P540L, P727L.
Identifiers: ClinVar variation 2887936 (VCV002887936.5), dbSNP rs762293545, ClinGen allele CA2696231.

ClinVar aggregate classification (germline): Uncertain significance. Review status: criteria provided, multiple submitters, no conflicts (2 of 4 stars). 2 submissions from 2 submitters: Uncertain significance (2). Last evaluated 2025-11-12.

Conditions:
Inborn genetic diseases. Identifiers: MedGen C0950123, MeSH D030342.

Allele frequency attached by ClinVar (database versions not stated): gnomAD exomes 0.00004; gnomAD 0.00002; ExAC 0.00003.
gnomAD v4.1: 62 of 1,613,946 alleles (0.0038%); highest among the groups gnomAD compares: Admixed American, 0.013%; no homozygotes.

Submissions (2):

Labcorp Genetics (formerly Invitae), Labcorp
Classification: Uncertain significance. Last evaluated: 2025-11-12. Review status: criteria provided, single submitter. Criteria: Invitae Variant Classification Sherloc (09022015). Collection method: clinical testing. Allele origin: germline.
Comment: This sequence change replaces proline, which is neutral and non-polar, with leucine, which is neutral and non-polar, at codon 539 of the MECOM protein (p.Pro539Leu). This variant is present in population databases (rs762293545, gnomAD 0.02%). This variant has not been reported in the literature in individuals affected with MECOM-related conditions. ClinVar contains an entry for this variant (Variation ID: 2887936). An algorithm developed to predict the effect of missense changes on protein structure and function (PolyPhen-2) suggests that this variant is likely to be disruptive. In summary, the available evidence is currently insufficient to determine the role of this variant in disease. Therefore, it has been classified as a Variant of Uncertain Significance.

Ambry Genetics
Classification: Uncertain significance for Inborn genetic diseases. Last evaluated: 2025-03-20. Review status: criteria provided, single submitter. Criteria: Ambry Variant Classification Scheme 2023. Collection method: clinical testing. Allele origin: germline.